The following is an entry in ClinVar:

ClinVar aggregate classification (germline): Likely pathogenic (1 of 4 stars; one submission).

Conditions:
Klippel-Feil anomaly-myopathy-facial dysmorphism syndrome. Also called: Klippel-feil syndrome 4, autosomal recessive, with nemaline myopathy and facial dysmorphism; Klippel-Feil syndrome 4, autosomal recessive, with myopathy and facial dysmorphism. Identifiers: Orphanet 447974, MedGen C4225285, MONDO:0014689, OMIM 616549.

Submission:

First Genomix Gene Laboratory, Genetic Diagnostics Department
Classification: Likely pathogenic for Klippel-Feil anomaly-myopathy-facial dysmorphism syndrome. Last evaluated: 2025-12-28. Review status: criteria provided, single submitter. Criteria: ACMG Guidelines, 2015. Collection method: clinical testing. Allele origin: germline. Inheritance: Autosomal recessive inheritance. Affected: no. Observed: 1 variant allele.

NM_032608.7(MYO18B):c.5022del (p.Ser1675fs)

Gene: MYO18B (myosin XVIIIB; plus strand). Cytogenetic location: 22q12.1.
Variant type: Deletion.
Coding change: c.5022del on transcript NM_032608.7 (MANE Select); coding-DNA position 5022, one base deleted (G; older notation c.5022delG).
Protein change: p.Ser1675fs; shifts the reading frame from serine 1675.
Molecular consequence: frameshift variant.
Genome position (GRCh38, 1-based): chr22:25,903,705, G deleted; the last of 4 consecutive G bases (chr22:25,903,702-25,903,705); deleting any one gives the same sequence. VCF-style (leftmost placement, unchanged base first): chr22-25903701-TG-T. GRCh37 (hg19) VCF-style: chr22-26299668-TG-T.
Other names: c.5025del, p.Ser1676fs (NM_001318245.2); short protein forms S1675fs, S1676fs.
Identifiers: ClinVar variation 4850614 (VCV004850614.1).